The following is an entry in ClinVar:

ClinVar aggregate classification (germline): Conflicting classifications of pathogenicity. Review status: criteria provided, conflicting classifications (1 of 4 stars). 10 submissions from 10 submitters: Uncertain significance (6); Likely benign (3). 1 of the submissions does not count toward it. Last evaluated 2026-01-14.

Conditions:
Hereditary breast ovarian cancer syndrome. Also called: Breast and ovarian cancer; Hereditary breast and ovarian cancer; Hereditary breast and ovarian cancer syndrome; BRCA1- and BRCA2-Associated Hereditary Breast and Ovarian Cancer; Hereditary breast and ovarian cancer syndrome (HBOC); Hereditary breast and/or ovarian cancer syndrome. Identifiers: Orphanet 145, MedGen C0677776, MeSH D061325, MONDO:0003582. Disease mechanism: loss of function.
BRCA2-related disorder. Also called: BRCA2-related condition; BRCA2-related disorders. Identifiers: MedGen CN239275.
Hereditary cancer-predisposing syndrome. Also called: Tumor predisposition; Hereditary Cancer Syndrome; Neoplastic Syndromes, Hereditary; Hereditary neoplastic syndrome. Identifiers: Orphanet 140162, MedGen C0027672, MeSH D009386, MONDO:0015356.
Breast-ovarian cancer, familial, susceptibility to, 2 (BROVCA2). Also called: BRCA2 Hereditary Breast and Ovarian Cancer. Identifiers: Orphanet 145, MedGen C2675520, MONDO:0012933, OMIM 612555. Disease mechanism: loss of function.

Allele frequency attached by ClinVar (database versions not stated): gnomAD exomes below 0.00001 and 0.00001; ExAC 0.00001; gnomAD 0.00003 and 0.00004; TOPMed 0.00003.
gnomAD v4.1: 6 of 1,607,320 alleles (0.00037%); highest among the groups gnomAD compares: African/African-American, 0.0054%; no homozygotes.

Submissions (10):

Labcorp Genetics (formerly Invitae), Labcorp
Classification: Uncertain significance for Hereditary breast ovarian cancer syndrome. Last evaluated: 2026-01-14. Review status: criteria provided, single submitter. Criteria: Invitae Variant Classification Sherloc (09022015). Collection method: clinical testing. Allele origin: germline.
Comment: This sequence change replaces arginine, which is basic and polar, with glycine, which is neutral and non-polar, at codon 2099 of the BRCA2 protein (p.Arg2099Gly). This variant is present in population databases (rs398122551, gnomAD 0.01%). This missense change has been observed in individual(s) with a personal and/or family history of breast and/or ovarian cancer (PMID: 21120943). ClinVar contains an entry for this variant (Variation ID: 91442). Invitae Evidence Modeling of protein sequence and biophysical properties (such as structural, functional, and spatial information, amino acid conservation, physicochemical variation, residue mobility, and thermodynamic stability) indicates that this missense variant is not expected to disrupt BRCA2 protein function with a negative predictive value of 95%. In summary, the available evidence is currently insufficient to determine the role of this variant in disease. Therefore, it has been classified as a Variant of Uncertain Significance.

Ambry Genetics
Classification: Likely benign for Hereditary cancer-predisposing syndrome. Last evaluated: 2025-07-16. Review status: criteria provided, single submitter. Criteria: Ambry Variant Classification Scheme 2023. Collection method: clinical testing. Allele origin: germline.

Quest Diagnostics Nichols Institute San Juan Capistrano
Classification: Uncertain significance. Last evaluated: 2025-02-14. Review status: criteria provided, single submitter. Criteria: Quest Diagnostics criteria. Collection method: clinical testing. Allele origin: unknown.
Comment: The BRCA2 c.6295A>G (p.Arg2099Gly) variant has been reported in the published literature in a cohort of individuals affected with breast and/or ovarian cancer (PMID: 21120943 (2011)). Additionally, the variant is located in a region of the BRCA2 gene that is tolerant to missense sequence changes (PMID: 31911673 (2020)). The frequency of this variant in the general population (Genome Aggregation Database) is uninformative in the assessment of its pathogenicity. Analysis of this variant using bioinformatics tools for the prediction of the effect of amino acid changes on protein structure and function yielded predictions that this variant is benign. Based on the available information, we are unable to determine the clinical significance of this variant.

Color Diagnostics, LLC DBA Color Health
Classification: Likely benign for Hereditary cancer-predisposing syndrome. Last evaluated: 2024-08-14. Review status: criteria provided, single submitter. Criteria: ACMG Guidelines, 2015. Collection method: clinical testing. Allele origin: germline.

PreventionGenetics, part of Exact Sciences
Classification: Uncertain significance for BRCA2-related condition. Last evaluated: 2023-08-24. Review status: criteria provided, single submitter. Criteria: ACMG Guidelines, 2015. Collection method: clinical testing. Allele origin: germline.
Comment: The BRCA2 c.6295A>G variant is predicted to result in the amino acid substitution p.Arg2099Gly. This variant has been reported in at least one individual with a personal and/or family history of breast and/or ovarian cancer (Table S2B, Caux-Moncoutier et al. 2010. PubMed ID: 21120943). This variant is reported in 3 of ~276,000 alleles in gnomAD. It is interpreted as uncertain significance by the vast majority of clinical submitters in ClinVar. This variant occurs within a region of the BRCA2 gene that is predicted to be tolerant to variation (Table 2, Dines et al. 2020. PubMed ID: 31911673). At this time, the clinical significance of this variant is uncertain due to the absence of conclusive functional and genetic evidence.

All of Us Research Program, National Institutes of Health
Classification: Uncertain significance for Breast-ovarian cancer, familial, susceptibility to, 2. Last evaluated: 2023-05-15. Review status: criteria provided, single submitter. Criteria: ACMG Guidelines, 2015. Collection method: clinical testing. Allele origin: germline. Inheritance: Autosomal dominant inheritance. Observed: 1 variant allele, 1 heterozygote.
Comment: This missense variant replaces arginine with glycine at codon 2099 of the BRCA2 protein. Computational prediction suggests that this variant may not impact protein structure and function (internally defined REVEL score threshold <= 0.5, PMID: 27666373). To our knowledge, functional studies have not been reported for this variant. This variant has been reported in an individual with a personal or family history of breast and/or ovarian cancer (PMID: 21120943). This variant has been identified in 3/275762 chromosomes in the general population by the Genome Aggregation Database (gnomAD). The available evidence is insufficient to determine the role of this variant in disease conclusively. Therefore, this variant is classified as a Variant of Uncertain Significance.

This study involves interpretation of variants in research participants for the purpose of population health screening. Participant phenotype was not available at the time of variant classification. Additional details can be found in publication PMID: 35346344, PMCID: PMC8962531

University of Washington Department of Laboratory Medicine, University of Washington
Classification: Likely benign for Hereditary cancer-predisposing syndrome. Last evaluated: 2023-03-23. Review status: criteria provided, single submitter. Criteria: Dines et al. (Genet Med. 2020). Collection method: curation. Allele origin: germline.
Comment: Missense variant in a coldspot region where missense variants are very unlikely to be pathogenic (PMID:31911673).

BRCA2 exon 11 coldspot. Reclassification based on statistical prior probability.

GeneDx
Classification: Uncertain significance. Last evaluated: 2022-02-03. Review status: criteria provided, single submitter. Criteria: GeneDx Variant Classification Process June 2021. Collection method: clinical testing. Allele origin: germline. Affected: yes.
Comment: Not observed at significant frequency in large population cohorts (gnomAD); In silico analysis supports that this missense variant does not alter protein structure/function; Observed in individuals with a personal or family history including breast and/or ovarian cancer (Caux-Moncoutier 2011); Also known as 6523A>G; This variant is associated with the following publications: (PMID: 21120943)

Women's Health and Genetics/Laboratory Corporation of America, LabCorp
Classification: Uncertain significance. Last evaluated: 2020-05-19. Review status: criteria provided, single submitter. Criteria: LabCorp Variant Classification Summary - May 2015. Collection method: clinical testing. Allele origin: germline.
Comment: Variant summary: BRCA2 c.6295A>G (p.Arg2099Gly) results in a non-conservative amino acid change in the encoded protein sequence. Four of five in-silico tools predict a benign effect of the variant on protein function. The variant allele was found at a frequency of 8.2e-06 in 244356 control chromosomes. The available data on variant occurrences in the general population are insufficient to allow any conclusion about variant significance. c.6295A>G has been reported in the literature in at least one individual affected with Hereditary Breast And Ovarian Cancer Syndrome (e.g. Caux-Moncoutier_2011). This report does not provide unequivocal conclusions about association of the variant with Hereditary Breast And Ovarian Cancer Syndrome. To our knowledge, no experimental evidence demonstrating an impact on protein function has been reported. Three other clinical diagnostic laboratories have submitted clinical-significance assessments for this variant to ClinVar after 2014 without evidence for independent evaluation. All laboratories classified the variant as uncertain significance. Based on the evidence outlined above, the variant was classified as uncertain significance.

Sharing Clinical Reports Project (SCRP)
Classification: Uncertain significance for Breast-ovarian cancer, familial 2. Last evaluated: 2011-06-28. Review status: no assertion criteria provided. Collection method: clinical testing. Allele origin: germline. Not counted in ClinVar's aggregate classification.

Literature cited by the submitters: PubMed 21120943 (cited by 5 submitters); PubMed 31911673 (cited by Quest Diagnostics Nichols Institute San Juan Capistrano); PubMed 26295337 (cited by Quest Diagnostics Nichols Institute San Juan Capistrano).

NM_000059.4(BRCA2):c.6295A>G (p.Arg2099Gly)

Gene: BRCA2 (BRCA2 DNA repair associated; plus strand). Cytogenetic location: 13q13.1.
Variant type: single nucleotide variant.
Coding change: c.6295A>G on transcript NM_000059.4 (MANE Select); coding-DNA position 6295, A replaced by G.
Protein change: p.Arg2099Gly; replaces arginine 2099 with glycine.
Molecular consequence: missense variant.
Genome position (GRCh38, 1-based): chr13:32,340,650, A>G. VCF-style: chr13-32340650-A-G. GRCh37 (hg19) VCF-style: chr13-32914787-A-G.
Other names: 6523A>G; short protein forms R2099G.
Identifiers: ClinVar variation 91442 (VCV000091442.27), dbSNP rs398122551, ClinGen allele CA023833.